The following is an entry in ClinVar:

ClinVar aggregate classification (germline): Uncertain significance. Review status: criteria provided, multiple submitters, no conflicts (2 of 4 stars). 2 submissions from 2 submitters: Uncertain significance (2). Last evaluated 2026-04-01.

Allele frequency attached by ClinVar (database versions not stated): TOPMed 0.00005; 1000 Genomes Project 0.00020; 1000 Genomes Project 30x 0.00031; gnomAD 0.00003.
gnomAD v4.1: 28 of 1,548,828 alleles (0.0018%); highest among the groups gnomAD compares: Middle Eastern, 0.017%; no homozygotes.

Submissions (2):

CeGaT Center for Human Genetics Tuebingen
Classification: Uncertain significance. Last evaluated: 2026-04-01. Review status: criteria provided, single submitter. Criteria: CeGaT Center For Human Genetics Tuebingen Variant Classification Criteria Version 2. Collection method: clinical testing. Allele origin: germline. Affected: yes. Observed: 1 variant allele.

GeneDx
Classification: Uncertain significance. Last evaluated: 2016-11-22. Review status: criteria provided, single submitter. Criteria: GeneDx Variant Classification (06012015). Collection method: clinical testing. Allele origin: germline. Affected: yes.
Comment: The D125N variant in the TMEM240 gene has not been reported previously as a pathogenic variant, nor as a benign variant, to our knowledge. The D125N variant was not observed in approximately 2,300 individuals of European and African American ancestry in the NHLBI Exome Sequencing Project, indicating it is not a common benign variant in these populations. The D125N variant is a semi-conservative amino acid substitution, which may impact secondary protein structure as these residues differ in some properties. This substitution occurs at a position that is conserved in mammals. In silico analysis predicts this variant is probably damaging to the protein structure/function. We interpret D125N as a variant of uncertain significance.

NM_001114748.2(TMEM240):c.373G>A (p.Asp125Asn)

Gene: TMEM240 (transmembrane protein 240; minus strand). Cytogenetic location: 1p36.33.
Variant type: single nucleotide variant.
Coding change: c.373G>A on transcript NM_001114748.2 (MANE Select); coding-DNA position 373, G replaced by A.
Protein change: p.Asp125Asn; replaces aspartic acid 125 with asparagine.
Molecular consequence: missense variant.
Genome position (GRCh38, 1-based): chr1:1,535,589, C>T on the plus strand (G>A on the coding strand, the complement: TMEM240 is on the minus strand). VCF-style: chr1-1535589-C-T. GRCh37 (hg19) VCF-style: chr1-1470969-C-T.
Other names: short protein forms D125N.
Identifiers: ClinVar variation 373233 (VCV000373233.3), dbSNP rs553883626, ClinGen allele CA16042304.